The following is an entry in ClinVar:

ClinVar aggregate classification (germline): Uncertain significance (1 of 4 stars; one submission).

Allele frequency attached by ClinVar (database versions not stated): gnomAD 0.00001; TOPMed below 0.00001.

Submission:

Women's Health and Genetics/Laboratory Corporation of America, LabCorp
Classification: Uncertain significance. Last evaluated: 2022-05-16. Review status: criteria provided, single submitter. Criteria: LabCorp Variant Classification Summary - May 2015. Collection method: clinical testing. Allele origin: germline.
Comment: Variant summary: ALG1 c.1359G>C (p.Trp453Cys) results in a non-conservative amino acid change in the encoded protein sequence. Five of five in-silico tools predict a damaging effect of the variant on protein function. The variant was absent in 232332 control chromosomes. The available data on variant occurrences in the general population are insufficient to allow any conclusion about variant significance. To our knowledge, no occurrence of c.1359G>C in individuals affected with Congenital Disorder Of Glycosylation Type 1K and no experimental evidence demonstrating its impact on protein function have been reported. No clinical diagnostic laboratories have submitted clinical-significance assessments for this variant to ClinVar after 2014. Based on the evidence outlined above, the variant was classified as uncertain significance.

NM_019109.5(ALG1):c.1359G>C (p.Trp453Cys)

Genes: ALG1 (ALG1 chitobiosyldiphosphodolichol beta-mannosyltransferase; plus strand), EEF2KMT (eukaryotic elongation factor 2 lysine methyltransferase; minus strand). Cytogenetic location: 16p13.3.
Variant type: single nucleotide variant.
Coding change: c.1359G>C on transcript NM_019109.5 (MANE Select); coding-DNA position 1359, G replaced by C.
Protein change: p.Trp453Cys; replaces tryptophan 453 with cysteine.
Molecular consequence: missense variant. On other transcripts: 3 prime UTR variant (3).
Genome position (GRCh38, 1-based): chr16:5,084,845, G>C. VCF-style: chr16-5084845-G-C. GRCh37 (hg19) VCF-style: chr16-5134846-G-C.
Other names: c.*787C>G (NM_001289029.2, NM_201400.4, NM_201598.4); c.1026G>C, p.Trp342Cys (NM_001330504.2); short protein forms W342C, W453C.
Identifiers: ClinVar variation 1696364 (VCV001696364.1), dbSNP rs775918513, ClinGen allele CA277165779.